The following is an entry in ClinVar:

NM_001458.5(FLNC):c.7007G>T (p.Ser2336Ile)

Genes: FLNC (filamin C; plus strand), FLNC-AS1 (FLNC antisense RNA 1; minus strand). Cytogenetic location: 7q32.1.
Variant type: single nucleotide variant.
Coding change: c.7007G>T on transcript NM_001458.5 (MANE Select); coding-DNA position 7007, G replaced by T.
Protein change: p.Ser2336Ile; replaces serine 2336 with isoleucine.
Molecular consequence: missense variant.
Genome position (GRCh38, 1-based): chr7:128,854,784, G>T. VCF-style: chr7-128854784-G-T. GRCh37 (hg19) VCF-style: chr7-128494838-G-T.
Other names: c.6908G>T, p.Ser2303Ile (NM_001127487.2); short protein forms S2336I, S2303I.
Identifiers: ClinVar variation 2117816 (VCV002117816.4), dbSNP rs2536665834, ClinGen allele CA369214888.

ClinVar aggregate classification (germline): Uncertain significance (1 of 4 stars; one submission).

Conditions:
Myofibrillar myopathy 5. Also called: Filaminopathy (type); FILAMINOPATHY, AUTOSOMAL DOMINANT. Identifiers: Orphanet 171445, MedGen C1836050, MONDO:0012289, OMIM 609524.
Distal myopathy with posterior leg and anterior hand involvement. Also called: WILLIAMS DISTAL MYOPATHY. Identifiers: Orphanet 63273, MedGen C3279722, MONDO:0013550, OMIM 614065.
Hypertrophic cardiomyopathy 26. Also called: Cardiomyopathy, familial hypertrophic, 26. Identifiers: Orphanet 75249, MedGen C4310749, MONDO:0014883, OMIM 617047.

Submission:

Labcorp Genetics (formerly Invitae), Labcorp
Classification: Uncertain significance for Distal myopathy with posterior leg and anterior hand involvement; Myofibrillar myopathy 5; Hypertrophic cardiomyopathy 26. Last evaluated: 2022-03-26. Review status: criteria provided, single submitter. Criteria: Invitae Variant Classification Sherloc (09022015). Collection method: clinical testing. Allele origin: germline.
Comment: Algorithms developed to predict the effect of missense changes on protein structure and function are either unavailable or do not agree on the potential impact of this missense change (SIFT: "Deleterious"; PolyPhen-2: "Probably Damaging"; Align-GVGD: "Class C0"). This variant has not been reported in the literature in individuals affected with FLNC-related conditions. This variant is not present in population databases (gnomAD no frequency). This sequence change replaces serine, which is neutral and polar, with isoleucine, which is neutral and non-polar, at codon 2336 of the FLNC protein (p.Ser2336Ile). In summary, the available evidence is currently insufficient to determine the role of this variant in disease. Therefore, it has been classified as a Variant of Uncertain Significance.